The following is an entry in ClinVar:

NM_002181.4(IHH):c.584C>T (p.Ser195Leu)

Gene: IHH (Indian hedgehog signaling molecule; minus strand). Cytogenetic location: 2q35.
Variant type: single nucleotide variant.
Coding change: c.584C>T on transcript NM_002181.4 (MANE Select); coding-DNA position 584, C replaced by T.
Protein change: p.Ser195Leu; replaces serine 195 with leucine.
Molecular consequence: missense variant.
Genome position (GRCh38, 1-based): chr2:219,055,859, G>A on the plus strand (C>T on the coding strand, the complement: IHH is on the minus strand). VCF-style: chr2-219055859-G-A. GRCh37 (hg19) VCF-style: chr2-219920581-G-A.
Other names: short protein forms S195L.
Identifiers: ClinVar variation 1907072 (VCV001907072.5), dbSNP rs775129096, ClinGen allele CA350633531.

ClinVar aggregate classification (germline): Uncertain significance (1 of 4 stars; one submission).

Allele frequency attached by ClinVar (database versions not stated): gnomAD exomes 0.00001.

Submission:

Labcorp Genetics (formerly Invitae), Labcorp
Classification: Uncertain significance. Last evaluated: 2025-11-06. Review status: criteria provided, single submitter. Criteria: Invitae Variant Classification Sherloc (09022015). Collection method: clinical testing. Allele origin: germline.
Comment: This sequence change replaces serine, which is neutral and polar, with leucine, which is neutral and non-polar, at codon 195 of the IHH protein (p.Ser195Leu). This variant is not present in population databases (gnomAD no frequency). This variant has not been reported in the literature in individuals affected with IHH-related conditions. ClinVar contains an entry for this variant (Variation ID: 1907072). Invitae Evidence Modeling of protein sequence and biophysical properties (such as structural, functional, and spatial information, amino acid conservation, physicochemical variation, residue mobility, and thermodynamic stability) indicates that this missense variant is expected to disrupt IHH protein function with a positive predictive value of 80%. In summary, the available evidence is currently insufficient to determine the role of this variant in disease. Therefore, it has been classified as a Variant of Uncertain Significance.